The following is an entry in ClinVar:

ClinVar aggregate classification (germline): Likely benign (1 of 4 stars; one submission).

Conditions:
Colorectal cancer, hereditary nonpolyposis, type 7. Identifiers: Orphanet 144, MedGen C1858380, MONDO:0013725, OMIM 614385.

Allele frequency attached by ClinVar (database versions not stated): 1000 Genomes Project 0.01058; gnomAD 0.01085 and 0.01003; TOPMed 0.01162; 1000 Genomes Project 30x 0.01062.

Submission:

Illumina Laboratory Services, Illumina
Classification: Likely benign for Colorectal cancer, hereditary nonpolyposis, type 7. Last evaluated: 2018-01-13. Review status: criteria provided, single submitter. Criteria: ICSL Variant Classification Criteria 13 December 2019. Collection method: clinical testing. Allele origin: germline.
Comment: This variant was observed in the ICSL laboratory as part of a predisposition screen in an ostensibly healthy population. It had not been previously curated by ICSL or reported in the Human Gene Mutation Database (HGMD: prior to June 1st, 2018), and was therefore a candidate for classification through an automated scoring system. Utilizing variant allele frequency, disease prevalence and penetrance estimates, and inheritance mode, an automated score was calculated to assess if this variant is too frequent to cause the disease. Based on the score and internal cut-off values, a variant classified as likely benign is not then subjected to further curation. The score for this variant resulted in a classification of likely benign for this disease.

NM_001040108.2(MLH3):c.-133C>G

Gene: MLH3 (mutL homolog 3; minus strand). Cytogenetic location: 14q24.3.
Variant type: single nucleotide variant.
Coding change: c.-133C>G on transcript NM_001040108.2 (MANE Select); 133 bases upstream of the start codon, C replaced by G.
Molecular consequence: 5 prime UTR variant.
Genome position (GRCh38, 1-based): chr14:75,051,449, G>C on the plus strand (C>G on the coding strand, the complement: MLH3 is on the minus strand). VCF-style: chr14-75051449-G-C. GRCh37 (hg19) VCF-style: chr14-75518152-G-C.
Other names: c.-133C>G (NM_014381.3).
Identifiers: ClinVar variation 314398 (VCV000314398.5), dbSNP rs145920461, ClinGen allele CA10640984.